The following is an entry in ClinVar:

ClinVar aggregate classification (germline): Benign/Likely benign. Review status: criteria provided, multiple submitters, no conflicts (2 of 4 stars). 5 submissions from 5 submitters: Benign (1); Likely benign (4). Last evaluated 2025-07-27.

Conditions:
Alzheimer disease 3 (AD3). Also called: ALZHEIMER DISEASE, FAMILIAL, 3. Identifiers: Orphanet 1020, MedGen C1843013, MONDO:0011913, OMIM 607822.
Acne inversa, familial, 3 (ACNINV3). Identifiers: MedGen C3151038, MONDO:0013398, OMIM 613737.
Pick disease. Also called: PICK DISEASE OF BRAIN; DEMENTIA WITH LOBAR ATROPHY AND NEURONAL CYTOPLASMIC INCLUSIONS; LOBAR ATROPHY OF BRAIN; Pick's disease; Pick Disease of the Brain. Identifiers: Orphanet 282, MedGen C0236642, MONDO:0008243, OMIM 172700.
Frontotemporal dementia (FTD1). Also called: Dementia, frontotemporal, with or without parkinsonism; Frontotemporal Dementia with Parkinsonism-17 (FTDP-17); FRONTOTEMPORAL DEMENTIA WITH PARKINSONISM; FRONTOTEMPORAL LOBE DEMENTIA; MULTIPLE SYSTEM TAUOPATHY WITH PRESENILE DEMENTIA; WILHELMSEN-LYNCH DISEASE. Identifiers: Orphanet 282, MedGen C0338451, MONDO:0017276, OMIM 600274, HP:0002145.
PSEN1-related disorder. Also called: PSEN1-related condition.

Allele frequency attached by ClinVar (database versions not stated): ExAC 0.00002; gnomAD exomes 0.00004 and 0.00009; gnomAD 0.00005 and 0.00006; TOPMed 0.00006; ESP Exome Variant Server 0.00008.
gnomAD v4.1: 133 of 1,614,054 alleles (0.0082%); highest among the groups gnomAD compares: Non-Finnish European, 0.01%; no homozygotes.

Submissions (5):

Labcorp Genetics (formerly Invitae), Labcorp
Classification: Likely benign for Alzheimer disease 3; Pick disease; Acne inversa, familial, 3; Frontotemporal dementia. Last evaluated: 2025-07-27. Review status: criteria provided, single submitter. Criteria: Invitae Variant Classification Sherloc (09022015). Collection method: clinical testing. Allele origin: germline.

PreventionGenetics, part of Exact Sciences
Classification: Likely benign for PSEN1-related condition. Last evaluated: 2025-05-28. Review status: criteria provided, single submitter. Criteria: ACMG Guidelines, 2015. Collection method: clinical testing. Allele origin: germline.
Comment: This variant is classified as likely benign based on ACMG/AMP sequence variant interpretation guidelines (Richards et al. 2015 PMID: 25741868, with internal and published modifications).

CeGaT Center for Human Genetics Tuebingen
Classification: Likely benign. Last evaluated: 2023-10-01. Review status: criteria provided, single submitter. Criteria: CeGaT Center For Human Genetics Tuebingen Variant Classification Criteria Version 2. Collection method: clinical testing. Allele origin: germline. Affected: yes. Observed: 1 variant allele.
Comment: PSEN1: BP4, BP7

Blueprint Genetics
Classification: Likely benign. Last evaluated: 2023-03-29. Review status: criteria provided, single submitter. Criteria: ACMG Guidelines, 2015. Collection method: clinical testing. Allele origin: germline.

Athena Diagnostics
Classification: Benign. Last evaluated: 2021-02-11. Review status: criteria provided, single submitter. Criteria: Athena Diagnostics criteria. Collection method: clinical testing. Allele origin: unknown.

Literature cited by the submitters: PubMed 32087291 (cited by Athena Diagnostics); PubMed 17412506 (cited by Athena Diagnostics); PubMed 30279455 (cited by Athena Diagnostics).

NM_000021.4(PSEN1):c.96T>C (p.Asn32=)

Gene: PSEN1 (presenilin 1; plus strand). Cytogenetic location: 14q24.2.
Variant type: single nucleotide variant.
Coding change: c.96T>C on transcript NM_000021.4 (MANE Select); coding-DNA position 96, T replaced by C.
Protein change: p.Asn32=; no amino-acid change (asparagine 32 retained).
Molecular consequence: synonymous variant.
Genome position (GRCh38, 1-based): chr14:73,170,805, T>C. VCF-style: chr14-73170805-T-C. GRCh37 (hg19) VCF-style: chr14-73637513-T-C.
Other names: c.84T>C, p.Asn28= (NM_007318.3).
Identifiers: ClinVar variation 1256543 (VCV001256543.29), dbSNP rs201759335, ClinGen allele CA7256671.